The following is an entry in ClinVar:

ClinVar aggregate classification (germline): Uncertain significance. Review status: criteria provided, multiple submitters, no conflicts (2 of 4 stars). 4 submissions from 4 submitters: Uncertain significance (3). 1 of the submissions does not count toward it. Last evaluated 2023-02-08.

Conditions:
Autosomal recessive limb-girdle muscular dystrophy type 2D (LGMDR3). Also called: ADHALINOPATHY, PRIMARY; MUSCULAR DYSTROPHY, LIMB-GIRDLE, AUTOSOMAL RECESSIVE 3; DUCHENNE-LIKE AUTOSOMAL RECESSIVE MUSCULAR DYSTROPHY, TYPE 2. Identifiers: Orphanet 62, MedGen C2936332, MONDO:0011968, OMIM 608099. Disease mechanism: Affects gamma-sarcoglycan and also disrupts the integrity of the entire sarcoglycan complex..

Allele frequency attached by ClinVar (database versions not stated): ExAC 0.00004; gnomAD exomes 0.00004 and 0.00008; TOPMed 0.00006; gnomAD 0.00008 and 0.00009; ESP Exome Variant Server 0.00015.
gnomAD v4.1: 125 of 1,614,054 alleles (0.0077%); highest among the groups gnomAD compares: Non-Finnish European, 0.01%; no homozygotes.

Submissions (4):

Genome-Nilou Lab
Classification: Uncertain significance for Autosomal recessive limb-girdle muscular dystrophy type 2D. Last evaluated: 2023-02-08. Review status: criteria provided, single submitter. Criteria: ACMG Guidelines, 2015. Collection method: clinical testing. Allele origin: germline.

Labcorp Genetics (formerly Invitae), Labcorp
Classification: Uncertain significance for Autosomal recessive limb-girdle muscular dystrophy type 2D. Last evaluated: 2022-08-25. Review status: criteria provided, single submitter. Criteria: Invitae Variant Classification Sherloc (09022015). Collection method: clinical testing. Allele origin: germline.
Comment: This sequence change replaces valine, which is neutral and non-polar, with glycine, which is neutral and non-polar, at codon 52 of the SGCA protein (p.Val52Gly). This variant is present in population databases (rs148132791, gnomAD 0.01%). This variant has not been reported in the literature in individuals affected with SGCA-related conditions. ClinVar contains an entry for this variant (Variation ID: 281286). Algorithms developed to predict the effect of missense changes on protein structure and function (SIFT, PolyPhen-2, Align-GVGD) all suggest that this variant is likely to be tolerated. In summary, the available evidence is currently insufficient to determine the role of this variant in disease. Therefore, it has been classified as a Variant of Uncertain Significance.

Eurofins Ntd Llc (ga)
Classification: Uncertain significance. Last evaluated: 2015-07-01. Review status: criteria provided, single submitter. Criteria: EGL Classification Definitions 2015. Collection method: clinical testing. Allele origin: germline. Observed: 2 variant alleles, 2 heterozygotes.

Natera, Inc.
Classification: Uncertain significance for Limb-girdle muscular dystrophy type 2D. Last evaluated: 2020-09-16. Review status: no assertion criteria provided. Collection method: clinical testing. Allele origin: germline. Not counted in ClinVar's aggregate classification.

NM_000023.4(SGCA):c.155T>G (p.Val52Gly)

Gene: SGCA (sarcoglycan alpha; plus strand). Cytogenetic location: 17q21.33.
Variant type: single nucleotide variant.
Coding change: c.155T>G on transcript NM_000023.4 (MANE Select); coding-DNA position 155, T replaced by G.
Protein change: p.Val52Gly; replaces valine 52 with glycine.
Molecular consequence: missense variant. On other transcripts: non-coding transcript variant (1).
Genome position (GRCh38, 1-based): chr17:50,167,485, T>G. VCF-style: chr17-50167485-T-G. GRCh37 (hg19) VCF-style: chr17-48244846-T-G.
Other names: c.155T>G, p.Val52Gly (NM_001135697.3); short protein forms V52G.
Identifiers: ClinVar variation 281286 (VCV000281286.9), dbSNP rs148132791, ClinGen allele CA8643701.